The following is an entry in ClinVar:

NM_007027.4(TOPBP1):c.925C>T (p.Arg309Cys)

Gene: TOPBP1 (DNA topoisomerase II binding protein 1; minus strand). Cytogenetic location: 3q22.1.
Variant type: single nucleotide variant.
Coding change: c.925C>T on transcript NM_007027.4 (MANE Select); coding-DNA position 925, C replaced by T.
Protein change: p.Arg309Cys; replaces arginine 309 with cysteine.
Molecular consequence: missense variant. On other transcripts: intron variant (1).
Genome position (GRCh38, 1-based): chr3:133,652,627, G>A on the plus strand (C>T on the coding strand, the complement: TOPBP1 is on the minus strand). VCF-style: chr3-133652627-G-A. GRCh37 (hg19) VCF-style: chr3-133371471-G-A.
Other names: c.923-13C>T (NM_001363889.2); short protein forms R309C.
Identifiers: ClinVar variation 3055822 (VCV003055822.2), dbSNP rs55633281, ClinGen allele CA2624582.
Genomic context (GRCh38, chr3:133,652,627, plus strand): 5'-TTGATTCACTTACGCAACTTGCATTTATGTTGGAAATATTGCTGACATCTGAAAGAGTAC[G>A]ACCTACATATTTTGAAAACGTATAAATTTATGGGAGATAAAATAATCATGATTACATATT-3'
Protein context (NP_008958.2, residues 299-319): PTSQINTIDS[Arg309Cys]TLSDVSNISN

ClinVar aggregate classification (germline): Benign (0 of 4 stars; one submission).

Conditions:
TOPBP1-related disorder. Also called: TOPBP1-related condition.

Allele frequency attached by ClinVar (database versions not stated): 1000 Genomes Project 0.03914; 1000 Genomes Project 30x 0.04044; ExAC 0.05333; gnomAD 0.05932; TOPMed 0.06166; gnomAD exomes 0.06510; ESP Exome Variant Server 0.06614.

Submission:

PreventionGenetics, part of Exact Sciences
Classification: Benign for TOPBP1-related condition. Last evaluated: 2019-10-21. Review status: no assertion criteria provided. Collection method: clinical testing. Allele origin: germline.
Comment: This variant is classified as benign based on ACMG/AMP sequence variant interpretation guidelines (Richards et al. 2015 PMID: 25741868, with internal and published modifications).